The following is an entry in ClinVar:

ClinVar aggregate classification (germline): Likely benign. Review status: criteria provided, multiple submitters, no conflicts (2 of 4 stars). 4 submissions from 4 submitters: Likely benign (4). Last evaluated 2026-06-01.

Conditions:
Joubert syndrome. Also called: Familial aplasia of the vermis; JOUBERT-BOLTSHAUSER SYNDROME. Identifiers: Orphanet 475, MedGen C5979921, MONDO:0018772.

Allele frequency attached by ClinVar (database versions not stated): gnomAD 0.00006; TOPMed 0.00006; gnomAD exomes 0.00011; ExAC 0.00014; 1000 Genomes Project 30x 0.00016; 1000 Genomes Project 0.00020; ESP Exome Variant Server 0.00023.
gnomAD v4.1: 81 of 1,545,250 alleles (0.0052%); highest among the groups gnomAD compares: Admixed American, 0.024%; no homozygotes.

Submissions (4):

CeGaT Center for Human Genetics Tuebingen
Classification: Likely benign. Last evaluated: 2026-06-01. Review status: criteria provided, single submitter. Criteria: CeGaT Center For Human Genetics Tuebingen Variant Classification Criteria Version 2. Collection method: clinical testing. Allele origin: germline. Affected: yes. Observed: 3 variant alleles.
Comment: INPP5E: BP4, BP7

Labcorp Genetics (formerly Invitae), Labcorp
Classification: Likely benign for Joubert syndrome. Last evaluated: 2025-10-27. Review status: criteria provided, single submitter. Criteria: Invitae Variant Classification Sherloc (09022015). Collection method: clinical testing. Allele origin: germline.

Blueprint Genetics
Classification: Likely benign. Last evaluated: 2024-04-08. Review status: criteria provided, single submitter. Criteria: ACMG Guidelines, 2015. Collection method: clinical testing. Allele origin: germline.

Breakthrough Genomics
Classification: Likely benign. Review status: criteria provided, single submitter. Criteria: ACMG Guidelines, 2015. Collection method: not provided. Allele origin: germline. Inheritance: Autosomal recessive inheritance. Affected: yes.

NM_019892.6(INPP5E):c.906C>T (p.Phe302=)

Gene: INPP5E (inositol polyphosphate-5-phosphatase E; minus strand). Cytogenetic location: 9q34.3.
Variant type: single nucleotide variant.
Coding change: c.906C>T on transcript NM_019892.6 (MANE Select); coding-DNA position 906, C replaced by T.
Protein change: p.Phe302=; no amino-acid change (phenylalanine 302 retained).
Molecular consequence: synonymous variant.
Genome position (GRCh38, 1-based): chr9:136,434,770, G>A on the plus strand (C>T on the coding strand, the complement: INPP5E is on the minus strand). VCF-style: chr9-136434770-G-A. GRCh37 (hg19) VCF-style: chr9-139329222-G-A.
Other names: c.906C>T, p.Phe302= (NM_001318502.2).
Identifiers: ClinVar variation 696247 (VCV000696247.45), dbSNP rs140222295, ClinGen allele CA5337040.